The following is an entry in ClinVar:

ClinVar aggregate classification (germline): Uncertain significance (1 of 4 stars; one submission).

Allele frequency attached by ClinVar (database versions not stated): gnomAD 0.00001; gnomAD exomes 0.00001 and 0.00006; TOPMed 0.00004.
gnomAD v4.1: 21 of 1,613,336 alleles (0.0013%); highest among the groups gnomAD compares: Admixed American, 0.025%; no homozygotes.

Submission:

Labcorp Genetics (formerly Invitae), Labcorp
Classification: Uncertain significance. Last evaluated: 2024-01-08. Review status: criteria provided, single submitter. Criteria: Invitae Variant Classification Sherloc (09022015). Collection method: clinical testing. Allele origin: germline.
Comment: This sequence change replaces aspartic acid, which is acidic and polar, with asparagine, which is neutral and polar, at codon 1424 of the LAMA1 protein (p.Asp1424Asn). This variant is present in population databases (no rsID available, gnomAD 0.03%). This variant has not been reported in the literature in individuals affected with LAMA1-related conditions. ClinVar contains an entry for this variant (Variation ID: 1431792). Advanced modeling of protein sequence and biophysical properties (such as structural, functional, and spatial information, amino acid conservation, physicochemical variation, residue mobility, and thermodynamic stability) performed at Invitae indicates that this missense variant is expected to disrupt LAMA1 protein function with a positive predictive value of 80%. In summary, the available evidence is currently insufficient to determine the role of this variant in disease. Therefore, it has been classified as a Variant of Uncertain Significance.

NM_005559.4(LAMA1):c.4270G>A (p.Asp1424Asn)

Gene: LAMA1 (laminin subunit alpha 1; minus strand). Cytogenetic location: 18p11.31.
Variant type: single nucleotide variant.
Coding change: c.4270G>A on transcript NM_005559.4 (MANE Select); coding-DNA position 4270, G replaced by A.
Protein change: p.Asp1424Asn; replaces aspartic acid 1424 with asparagine.
Molecular consequence: missense variant.
Genome position (GRCh38, 1-based): chr18:7,002,376, C>T on the plus strand (G>A on the coding strand, the complement: LAMA1 is on the minus strand). VCF-style: chr18-7002376-C-T. GRCh37 (hg19) VCF-style: chr18-7002375-C-T.
Other names: short protein forms D1424N.
Identifiers: ClinVar variation 1431792 (VCV001431792.8), dbSNP rs984433837, ClinGen allele CA295766315.